The following is an entry in ClinVar:

NM_006329.4(FBLN5):c.901C>A (p.Leu301Met)

Gene: FBLN5 (fibulin 5; minus strand). Cytogenetic location: 14q32.12.
Variant type: single nucleotide variant.
Coding change: c.901C>A on transcript NM_006329.4 (MANE Select); coding-DNA position 901, C replaced by A.
Protein change: p.Leu301Met; replaces leucine 301 with methionine.
Molecular consequence: missense variant.
Genome position (GRCh38, 1-based): chr14:91,881,380, G>T on the plus strand (C>A on the coding strand, the complement: FBLN5 is on the minus strand). VCF-style: chr14-91881380-G-T. GRCh37 (hg19) VCF-style: chr14-92347724-G-T.
Other names: c.1024C>A, p.Leu342Met (NM_001384158.1); c.952C>A, p.Leu318Met (NM_001384159.1); c.901C>A, p.Leu301Met (NM_001384160.1); c.733C>A, p.Leu245Met (NM_001384161.1, NM_001384162.1); short protein forms L301M, L245M, L318M, L342M.
Identifiers: ClinVar variation 888450 (VCV000888450.23), dbSNP rs377360782, ClinGen allele CA7312695.

ClinVar aggregate classification (germline): Uncertain significance. Review status: criteria provided, multiple submitters, no conflicts (2 of 4 stars). 8 submissions from 7 submitters: Uncertain significance (7). 1 of the submissions does not count toward it. Last evaluated 2026-06-01.

Conditions:
Macular degeneration, age-related, 3 (ARMD3). Identifiers: Orphanet 280598, MedGen C1837187, MONDO:0012145, OMIM 608895.
Cutis laxa, autosomal dominant. Also called: Cutis laxa, dominant type. Identifiers: Orphanet 90348, MedGen C0268350, MONDO:0019571.
Cutis laxa. Identifiers: Orphanet 209, MedGen C0010495, MONDO:0016175, HP:0000973.
Optic atrophy. Identifiers: MedGen C0029124, MONDO:0003608, HP:0000648.

Allele frequency attached by ClinVar (database versions not stated): gnomAD 0.00005 and 0.00006; TOPMed 0.00006; ESP Exome Variant Server 0.00015; ExAC 0.00030.
gnomAD v4.1: 206 of 1,614,086 alleles (0.013%); highest among the groups gnomAD compares: Middle Eastern, 0.21%; no homozygotes.

Submissions (8):

CeGaT Center for Human Genetics Tuebingen
Classification: Uncertain significance. Last evaluated: 2026-06-01. Review status: criteria provided, single submitter. Criteria: CeGaT Center For Human Genetics Tuebingen Variant Classification Criteria Version 2. Collection method: clinical testing. Allele origin: germline. Affected: yes. Observed: 1 variant allele.
Comment: FBLN5: PM2

Labcorp Genetics (formerly Invitae), Labcorp
Classification: Uncertain significance. Last evaluated: 2025-12-03. Review status: criteria provided, single submitter. Criteria: Invitae Variant Classification Sherloc (09022015). Collection method: clinical testing. Allele origin: germline.
Comment: This sequence change replaces leucine, which is neutral and non-polar, with methionine, which is neutral and non-polar, at codon 301 of the FBLN5 protein (p.Leu301Met). This variant is present in population databases (rs377360782, gnomAD 0.09%). This variant has not been reported in the literature in individuals affected with FBLN5-related conditions. ClinVar contains an entry for this variant (Variation ID: 888450). Invitae Evidence Modeling of protein sequence and biophysical properties (such as structural, functional, and spatial information, amino acid conservation, physicochemical variation, residue mobility, and thermodynamic stability) indicates that this missense variant is not expected to disrupt FBLN5 protein function with a negative predictive value of 80%. In summary, the available evidence is currently insufficient to determine the role of this variant in disease. Therefore, it has been classified as a Variant of Uncertain Significance.

Institute of Human Genetics, Univ. Regensburg, Univ. Regensburg
Classification: Uncertain significance for Optic atrophy. Last evaluated: 2022-01-01. Review status: criteria provided, single submitter. Criteria: ACMG Guidelines, 2015. Collection method: clinical testing. Allele origin: germline. Affected: yes.

GeneDx
Classification: Uncertain significance. Last evaluated: 2021-03-11. Review status: criteria provided, single submitter. Criteria: GeneDx Variant Classification Process June 2021. Collection method: clinical testing. Allele origin: germline. Affected: yes.
Comment: Has been reported in a patient with retinitis pigmentosa who also carried a HK1 pathogenic variant, as well as other variants in the VCAN and CC2D2A genes (Yuan et al, 2017); In silico analysis supports that this missense variant does not alter protein structure/function; Reported in ClinVar as a variant of uncertain significance (ClinVar Variant ID# 888450; Landrum et al., 2016); This variant is associated with the following publications: (PMID: 28765615, 19194475)

ARUP Laboratories, Molecular Genetics and Genomics, ARUP Laboratories
Classification: Uncertain significance. Last evaluated: 2020-01-22. Review status: criteria provided, single submitter. Criteria: ARUP Molecular Germline Variant Investigation Process. Collection method: clinical testing. Allele origin: germline.
Comment: The FBLN5 c.901C>A; p.Leu301Met variant (rs377360782) is reported in the literature in a family affected with cutis laxa (Megarbane 2009). However, all affected individuals in this family carried a homozygous variant in a different gene, and the FBLN5 p.Leu301Met variant was speculated to only modify the phenotype in some individuals, though this was not unequivocally demonstrated (Megarbane 2009). The p.Leu301Met variant is found in the South Asian population with an overall allele frequency of 0.09% (28/30616 alleles) in the Genome Aggregation Database. The leucine at codon 301 is moderately conserved, but computational analyses (SIFT: damaging, PolyPhen-2: benign) predict conflicting effects of this variant on protein structure/function. Given the lack of clinical and functional data, the significance of the p.Leu301Met variant is uncertain at this time. References: Megarbane et al. An autosomal-recessive form of cutis laxa is due to homozygous elastin mutations, and the phenotype may be modified by a heterozygous fibulin 5 polymorphism. J Invest Dermatol. 2009 Jul;129(7):1650-5.

Illumina Laboratory Services, Illumina
Classification: Uncertain significance for Macular degeneration, age-related, 3. Last evaluated: 2017-09-08. Review status: criteria provided, single submitter. Criteria: ICSL Variant Classification Criteria 13 December 2019. Collection method: clinical testing. Allele origin: germline.
Comment: This variant was observed as part of a predisposition screen in an ostensibly healthy population. A literature search was performed for the gene, cDNA change, and amino acid change (where applicable). Publications were found based on this search. However, the evidence from the literature, in combination with allele frequency data from public databases where available, was not sufficient to rule this variant in or out of causing disease. Therefore, this variant is classified as a variant of unknown significance.

Illumina Laboratory Services, Illumina
Classification: Uncertain significance for Cutis laxa. Last evaluated: 2017-09-08. Review status: criteria provided, single submitter. Criteria: ICSL Variant Classification Criteria 13 December 2019. Collection method: clinical testing. Allele origin: germline.
Comment: the same text as in the submission from Illumina Laboratory Services, Illumina above.

Inherited Neuropathy Consortium Ii, University Of Miami
Classification: Uncertain significance for Cutis laxa, autosomal dominant. Last evaluated: 2016-01-06. Review status: no assertion criteria provided. Collection method: literature only. Allele origin: germline. Affected: yes. Not counted in ClinVar's aggregate classification.

Literature cited by the submitters: PubMed 19194475 (cited by 3 submitters); PubMed 28765615 (cited by Illumina Laboratory Services, Illumina).